The following is an entry in ClinVar:

NM_004006.3(DMD):c.1225A>G (p.Thr409Ala)

Gene: DMD (dystrophin; minus strand). Cytogenetic location: Xp21.1.
Variant type: single nucleotide variant.
Coding change: c.1225A>G on transcript NM_004006.3 (MANE Select); coding-DNA position 1225, A replaced by G.
Protein change: p.Thr409Ala; replaces threonine 409 with alanine.
Molecular consequence: missense variant.
Genome position (GRCh38, 1-based): chrX:32,644,238, T>C on the plus strand (A>G on the coding strand, the complement: DMD is on the minus strand). VCF-style: chrX-32644238-T-C. GRCh37 (hg19) VCF-style: chrX-32662355-T-C.
Other names: c.1201A>G, p.Thr401Ala (NM_000109.4); c.1213A>G, p.Thr405Ala (NM_004009.3); c.856A>G, p.Thr286Ala (NM_004010.3); short protein forms T286A, T401A, T405A, T409A.
Identifiers: ClinVar variation 1024098 (VCV001024098.2), dbSNP rs34155804, ClinGen allele CA412661201.

ClinVar aggregate classification (germline): Uncertain significance (1 of 4 stars; one submission).

Conditions:
Duchenne muscular dystrophy (DMD). Also called: MUSCULAR DYSTROPHY, PSEUDOHYPERTROPHIC PROGRESSIVE, DUCHENNE TYPE; Duchenne Muscular Dystrophy (DMD). Identifiers: Orphanet 98896, MedGen C0013264, MONDO:0010679, OMIM 310200.

Submission:

Labcorp Genetics (formerly Invitae), Labcorp
Classification: Uncertain significance for Duchenne muscular dystrophy. Last evaluated: 2021-08-26. Review status: criteria provided, single submitter. Criteria: Invitae Variant Classification Sherloc (09022015). Collection method: clinical testing. Allele origin: germline.
Comment: This sequence change replaces threonine with alanine at codon 409 of the DMD protein (p.Thr409Ala). The threonine residue is weakly conserved and there is a small physicochemical difference between threonine and alanine. This variant is not present in population databases (ExAC no frequency). This variant has not been reported in the literature in individuals affected with DMD-related conditions. Algorithms developed to predict the effect of missense changes on protein structure and function output the following: SIFT: "Tolerated"; PolyPhen-2: "Benign"; Align-GVGD: "Class C0". The alanine amino acid residue is found in multiple mammalian species, which suggests that this missense change does not adversely affect protein function. In summary, the available evidence is currently insufficient to determine the role of this variant in disease. Therefore, it has been classified as a Variant of Uncertain Significance.